The following is an entry in ClinVar:

NM_183235.3(RAB27A):c.435GGA[1] (p.Glu147del)

Gene: RAB27A (RAB27A, member RAS oncogene family; minus strand). Cytogenetic location: 15q21.3.
Variant type: Microsatellite.
Coding change: c.435GGA[1] on transcript NM_183235.3 (MANE Select); one copy of the 3-base unit GGA starting at c.435; the reference has two copies in a row; one copy, 3 bases deleted.
Protein change: p.Glu147del; deletes glutamic acid 147.
Molecular consequence: inframe deletion. On other transcripts: inframe indel (1).
Genome position (GRCh38, 1-based): chr15:55,223,916-55,223,918, TCC deleted on the plus strand (GGA on the coding strand, the reverse complement: RAB27A is on the minus strand); deleting any 3 consecutive bases within chr15:55,223,916-55,223,923 gives the same sequence; the position shown is the placement nearest the transcript's 3' end. VCF-style (leftmost placement, unchanged base first): chr15-55223915-TTCC-T. GRCh37 (hg19) VCF-style: chr15-55516113-TTCC-T.
Other names: c.435GGA[1], p.Glu147del (NM_004580.5, NM_183236.3); c.433_435GAG[1], p.Glu147del (NM_183234.3); short protein forms E147del.
Identifiers: ClinVar variation 1390483 (VCV001390483.5), dbSNP rs758624653, ClinGen allele CA7573573.
Genomic context (GRCh38, chr15:55,223,915, plus strand): 5'-TGTTTTCTCTAGACTTCTCCACAAAAATACTCACCCATATTTCTCTGCGAGTGCTATGGC[TTCC>T]TCCTCTTTCACTACTCTCTGGTCCTCCAGATCACTCTTGTTTCCACACAGCACTATATCT-3'

ClinVar aggregate classification (germline): Uncertain significance (1 of 4 stars; one submission).

Conditions:
Griscelli syndrome type 2 (GS2). Also called: PAID SYNDROME; PARTIAL ALBINISM AND IMMUNODEFICIENCY SYNDROME; GRISCELLI SYNDROME WITH HEMOPHAGOCYTIC SYNDROME. Identifiers: Orphanet 381, Orphanet 79477, MedGen C1868679, MONDO:0011872, OMIM 607624.

Submission:

Labcorp Genetics (formerly Invitae), Labcorp
Classification: Uncertain significance for Griscelli syndrome type 2. Last evaluated: 2021-08-31. Review status: criteria provided, single submitter. Criteria: Invitae Variant Classification Sherloc (09022015). Collection method: clinical testing. Allele origin: germline.
Comment: This variant, c.438_440del, results in the deletion of 1 amino acid(s) of the RAB27A protein (p.Glu147del), but otherwise preserves the integrity of the reading frame. This variant is present in population databases (rs758624653, ExAC 0.009%). This variant has not been reported in the literature in individuals affected with RAB27A-related conditions. Experimental studies and prediction algorithms are not available or were not evaluated, and the functional significance of this variant is currently unknown. In summary, the available evidence is currently insufficient to determine the role of this variant in disease. Therefore, it has been classified as a Variant of Uncertain Significance.